The following is an entry in ClinVar:

NM_001854.4(COL11A1):c.1078T>C (p.Tyr360His)

Gene: COL11A1 (collagen type XI alpha 1 chain; minus strand). Cytogenetic location: 1p21.1.
Variant type: single nucleotide variant.
Coding change: c.1078T>C on transcript NM_001854.4 (MANE Select); coding-DNA position 1078, T replaced by C.
Protein change: p.Tyr360His; replaces tyrosine 360 with histidine.
Molecular consequence: missense variant. On other transcripts: non-coding transcript variant (1), intron variant (1).
Genome position (GRCh38, 1-based): chr1:103,022,909, A>G on the plus strand (T>C on the coding strand, the complement: COL11A1 is on the minus strand). VCF-style: chr1-103022909-A-G. GRCh37 (hg19) VCF-style: chr1-103488465-A-G.
Other names: c.961T>C, p.Tyr321His (NM_001190709.2); c.1114T>C, p.Tyr372His (NM_080629.3); c.898-1140T>C (NM_080630.4); short protein forms Y372H, Y321H, Y360H.
Identifiers: ClinVar variation 2803835 (VCV002803835.3), dbSNP rs2525583113, ClinGen allele CA341154851.

ClinVar aggregate classification (germline): Uncertain significance (1 of 4 stars; one submission).

Allele frequency attached by ClinVar (database versions not stated): gnomAD exomes below 0.00001.
gnomAD v4.1: 1 of 1,613,798 alleles (0.000062%); highest among the groups gnomAD compares: Non-Finnish European, 0.000085%; no homozygotes.

Submission:

Labcorp Genetics (formerly Invitae), Labcorp
Classification: Uncertain significance. Last evaluated: 2025-12-29. Review status: criteria provided, single submitter. Criteria: Invitae Variant Classification Sherloc (09022015). Collection method: clinical testing. Allele origin: germline.
Comment: This sequence change replaces tyrosine, which is neutral and polar, with histidine, which is basic and polar, at codon 360 of the COL11A1 protein (p.Tyr360His). This variant is not present in population databases (gnomAD no frequency). This variant has not been reported in the literature in individuals affected with COL11A1-related conditions. ClinVar contains an entry for this variant (Variation ID: 2803835). Invitae Evidence Modeling of protein sequence and biophysical properties (such as structural, functional, and spatial information, amino acid conservation, physicochemical variation, residue mobility, and thermodynamic stability) indicates that this missense variant is not expected to disrupt COL11A1 protein function with a negative predictive value of 95%. In summary, the available evidence is currently insufficient to determine the role of this variant in disease. Therefore, it has been classified as a Variant of Uncertain Significance.